The following is an entry in ClinVar:

ClinVar aggregate classification (germline): Uncertain significance (1 of 4 stars; one submission).

Conditions:
RASopathy. Also called: rasopathies; Noonan spectrum disorder. Identifiers: Orphanet 536391, MedGen C5555857, MONDO:0021060.

gnomAD v4.1: 1 of 1,614,180 alleles (0.000062%); highest among the groups gnomAD compares: Non-Finnish European, 0.000085%; no homozygotes.

Submission:

Labcorp Genetics (formerly Invitae), Labcorp
Classification: Uncertain significance for RASopathy. Last evaluated: 2025-05-30. Review status: criteria provided, single submitter. Criteria: Invitae Variant Classification Sherloc (09022015). Collection method: clinical testing. Allele origin: germline.
Comment: This sequence change replaces lysine, which is basic and polar, with asparagine, which is neutral and polar, at codon 778 of the CBL protein (p.Lys778Asn). This variant is not present in population databases (gnomAD no frequency). This variant has not been reported in the literature in individuals affected with CBL-related conditions. Invitae Evidence Modeling of protein sequence and biophysical properties (such as structural, functional, and spatial information, amino acid conservation, physicochemical variation, residue mobility, and thermodynamic stability) indicates that this missense variant is not expected to disrupt CBL protein function with a negative predictive value of 95%. In summary, the available evidence is currently insufficient to determine the role of this variant in disease. Therefore, it has been classified as a Variant of Uncertain Significance.

NM_005188.4(CBL):c.2334G>C (p.Lys778Asn)

Gene: CBL (Cbl proto-oncogene; plus strand). Cytogenetic location: 11q23.3.
Variant type: single nucleotide variant.
Coding change: c.2334G>C on transcript NM_005188.4 (MANE Select); coding-DNA position 2334, G replaced by C.
Protein change: p.Lys778Asn; replaces lysine 778 with asparagine.
Molecular consequence: missense variant.
Genome position (GRCh38, 1-based): chr11:119,298,440, G>C. VCF-style: chr11-119298440-G-C. GRCh37 (hg19) VCF-style: chr11-119169150-G-C.
Other names: short protein forms K778N.
Identifiers: ClinVar variation 4800624 (VCV004800624.1).